The following is an entry in ClinVar:

ClinVar aggregate classification (germline): Uncertain significance (1 of 4 stars; one submission).

Allele frequency attached by ClinVar (database versions not stated): gnomAD exomes below 0.00001 and 0.00001; gnomAD 0.00001 and 0.00002; TOPMed 0.00001.
gnomAD v4.1: 7 of 1,613,442 alleles (0.00043%); highest among the groups gnomAD compares: African/African-American, 0.0027%; no homozygotes.

Submission:

Labcorp Genetics (formerly Invitae), Labcorp
Classification: Uncertain significance. Last evaluated: 2021-06-01. Review status: criteria provided, single submitter. Criteria: Invitae Variant Classification Sherloc (09022015). Collection method: clinical testing. Allele origin: germline.
Comment: Algorithms developed to predict the effect of missense changes on protein structure and function (SIFT, PolyPhen-2, Align-GVGD) all suggest that this variant is likely to be tolerated, but these predictions have not been confirmed by published functional studies and their clinical significance is uncertain. In summary, the available evidence is currently insufficient to determine the role of this variant in disease. Therefore, it has been classified as a Variant of Uncertain Significance. Algorithms developed to predict the effect of sequence changes on RNA splicing suggest that this variant may create or strengthen a splice site, but this prediction has not been confirmed by published transcriptional studies. This variant has not been reported in the literature in individuals with NEUROG3-related conditions. This variant is not present in population databases (ExAC no frequency). This sequence change replaces histidine with glutamine at codon 155 of the NEUROG3 protein (p.His155Gln). The histidine residue is weakly conserved and there is a small physicochemical difference between histidine and glutamine.

NM_020999.4(NEUROG3):c.465C>G (p.His155Gln)

Gene: NEUROG3 (neurogenin 3; minus strand). Cytogenetic location: 10q22.1.
Variant type: single nucleotide variant.
Coding change: c.465C>G on transcript NM_020999.4 (MANE Select); coding-DNA position 465, C replaced by G.
Protein change: p.His155Gln; replaces histidine 155 with glutamine.
Molecular consequence: missense variant.
Genome position (GRCh38, 1-based): chr10:69,572,579, G>C on the plus strand (C>G on the coding strand, the complement: NEUROG3 is on the minus strand). VCF-style: chr10-69572579-G-C. GRCh37 (hg19) VCF-style: chr10-71332335-G-C.
Other names: short protein forms H155Q.
Identifiers: ClinVar variation 1439565 (VCV001439565.6), dbSNP rs1381826455, ClinGen allele CA376921859.
Genomic context (GRCh38, chr10:69,572,579, plus strand): 5'-TGGGGAGTAGAGGGACCCCCAGTCCCCGGGGGAACCGCCTGGGCTGCCCAGCTCCCCGCA[G>C]TGCGGCGCCGGCGGCTCCAGCGCGTACAAGCTGTGGTCCGCTATGCGCAGCGTTTGAGTC-3'
Protein context (NP_066279.2, residues 145-165): SLYALEPPAP[His155Gln]CGELGSPGGS